The following is an entry in ClinVar:

ClinVar aggregate classification (germline): Pathogenic (1 of 4 stars; one submission).

Submission:

Labcorp Genetics (formerly Invitae), Labcorp
Classification: Pathogenic. Last evaluated: 2019-03-23. Review status: criteria provided, single submitter. Criteria: Invitae Variant Classification Sherloc (09022015). Collection method: clinical testing. Allele origin: germline.
Comment: This variant is not present in population databases (ExAC no frequency). This sequence change creates a premature translational stop signal (p.Lys322Glyfs*32) in the PUS1 gene. It is expected to result in an absent or disrupted protein product. This variant has not been reported in the literature in individuals with PUS1-related conditions. For these reasons, this variant has been classified as Pathogenic. Loss-of-function variants in PUS1 are known to be pathogenic (PMID: 17056637, 19731322, 25058219, 26556812).

Literature cited by the submitters: PubMed 17056637; PubMed 19731322; PubMed 25058219; PubMed 26556812.

NM_025215.6(PUS1):c.963_964del (p.Lys322fs)

Gene: PUS1 (pseudouridine synthase 1; plus strand). Cytogenetic location: 12q24.33.
Variant type: Microsatellite.
Coding change: c.963_964del on transcript NM_025215.6 (MANE Select); coding-DNA positions 963 to 964, 2 bases deleted (GA; older notation c.963_964delGA).
Protein change: p.Lys322fs; shifts the reading frame from lysine 322.
Molecular consequence: frameshift variant.
Genome position (GRCh38, 1-based): chr12:131,941,710-131,941,711, GA deleted; deleting any 2 consecutive bases within chr12:131,941,707-131,941,711 gives the same sequence; the c. name uses the placement nearest the transcript's 3' end. VCF-style (leftmost placement, unchanged base first): chr12-131941706-CAG-C. GRCh37 (hg19) VCF-style: chr12-132426251-CAG-C.
Other names: c.879_880del, p.Lys294fs (NM_001002019.3, NM_001002020.3); short protein forms K322fs, K294fs.
Identifiers: ClinVar variation 838402 (VCV000838402.7), dbSNP rs1891080553, ClinGen allele CA916083343.